The following is an entry in ClinVar:

ClinVar aggregate classification (germline): Conflicting classifications of pathogenicity. Review status: criteria provided, conflicting classifications (1 of 4 stars). 5 submissions from 5 submitters: Uncertain significance (2); Likely benign (2). 1 of the submissions does not count toward it. Last evaluated 2025-02-19.

Conditions:
Hereditary cancer-predisposing syndrome. Also called: Neoplastic Syndromes, Hereditary; Tumor predisposition; Hereditary neoplastic syndrome; Hereditary Cancer Syndrome. Identifiers: Orphanet 140162, MedGen C0027672, MeSH D009386, MONDO:0015356.
Hereditary breast ovarian cancer syndrome. Also called: Hereditary breast and ovarian cancer syndrome; Hereditary breast and ovarian cancer; Hereditary breast and ovarian cancer syndrome (HBOC); Breast and ovarian cancer; Hereditary breast and/or ovarian cancer syndrome; BRCA1- and BRCA2-Associated Hereditary Breast and Ovarian Cancer. Identifiers: Orphanet 145, MedGen C0677776, MeSH D061325, MONDO:0003582. Disease mechanism: loss of function.
Breast-ovarian cancer, familial, susceptibility to, 2 (BROVCA2). Also called: BRCA2 Hereditary Breast and Ovarian Cancer. Identifiers: Orphanet 145, MedGen C2675520, MONDO:0012933, OMIM 612555. Disease mechanism: loss of function.

Allele frequency attached by ClinVar (database versions not stated): gnomAD exomes below 0.00001.
gnomAD v4.1: 5 of 1,612,748 alleles (0.00031%); highest among the groups gnomAD compares: Non-Finnish European, 0.00034%; no homozygotes.

Submissions (5):

Labcorp Genetics (formerly Invitae), Labcorp
Classification: Uncertain significance for Hereditary breast ovarian cancer syndrome. Last evaluated: 2025-02-19. Review status: criteria provided, single submitter. Criteria: Invitae Variant Classification Sherloc (09022015). Collection method: clinical testing. Allele origin: germline.
Comment: This sequence change replaces isoleucine, which is neutral and non-polar, with threonine, which is neutral and polar, at codon 1884 of the BRCA2 protein (p.Ile1884Thr). This variant is not present in population databases (gnomAD no frequency). This variant has not been reported in the literature in individuals affected with BRCA2-related conditions. ClinVar contains an entry for this variant (Variation ID: 51899). Invitae Evidence Modeling of protein sequence and biophysical properties (such as structural, functional, and spatial information, amino acid conservation, physicochemical variation, residue mobility, and thermodynamic stability) indicates that this missense variant is not expected to disrupt BRCA2 protein function with a negative predictive value of 95%. In summary, the available evidence is currently insufficient to determine the role of this variant in disease. Therefore, it has been classified as a Variant of Uncertain Significance.

University of Washington Department of Laboratory Medicine, University of Washington
Classification: Likely benign for Hereditary cancer-predisposing syndrome. Last evaluated: 2023-03-23. Review status: criteria provided, single submitter. Criteria: Dines et al. (Genet Med. 2020). Collection method: curation. Allele origin: germline.
Comment: Missense variant in a coldspot region where missense variants are very unlikely to be pathogenic (PMID:31911673).

BRCA2 exon 11 coldspot. Reclassification based on statistical prior probability.

Ambry Genetics
Classification: Likely benign for Hereditary cancer-predisposing syndrome. Last evaluated: 2019-10-21. Review status: criteria provided, single submitter. Criteria: Ambry Variant Classification Scheme 2023. Collection method: clinical testing. Allele origin: germline.

Color Diagnostics, LLC DBA Color Health
Classification: Uncertain significance for Hereditary cancer-predisposing syndrome. Last evaluated: 2019-05-23. Review status: criteria provided, single submitter. Criteria: ACMG Guidelines, 2015. Collection method: clinical testing. Allele origin: germline.

Breast Cancer Information Core (BIC) (BRCA2)
Classification: Uncertain significance for Breast-ovarian cancer, familial 2. Last evaluated: 2004-02-20. Review status: no assertion criteria provided. Collection method: clinical testing. Allele origin: germline. Affected: yes. Observed: 2 variant alleles. Not counted in ClinVar's aggregate classification.

NM_000059.4(BRCA2):c.5651T>C (p.Ile1884Thr)

Gene: BRCA2 (BRCA2 DNA repair associated; plus strand). Cytogenetic location: 13q13.1.
Variant type: single nucleotide variant.
Coding change: c.5651T>C on transcript NM_000059.4 (MANE Select); coding-DNA position 5651, T replaced by C.
Protein change: p.Ile1884Thr; replaces isoleucine 1884 with threonine.
Molecular consequence: missense variant.
Genome position (GRCh38, 1-based): chr13:32,340,006, T>C. VCF-style: chr13-32340006-T-C. GRCh37 (hg19) VCF-style: chr13-32914143-T-C.
Other names: short protein forms I1884T.
Identifiers: ClinVar variation 51899 (VCV000051899.19), dbSNP rs80358788, ClinGen allele CA022855.